The following is an entry in ClinVar:

NM_012452.3(TNFRSF13B):c.851_852dup (p.Pro285fs)

Gene: TNFRSF13B (TNF receptor superfamily member 13B; minus strand). Cytogenetic location: 17p11.2.
Variant type: Microsatellite.
Coding change: c.851_852dup on transcript NM_012452.3 (MANE Select); coding-DNA positions 851 to 852, 2 bases duplicated (TG; older notation c.851_852dupTG).
Protein change: p.Pro285fs; shifts the reading frame from proline 285.
Molecular consequence: frameshift variant.
Genome position (GRCh38, 1-based): chr17:16,939,577-16,939,578, CA duplicated on the plus strand (TG on the coding strand, the reverse complement: TNFRSF13B is on the minus strand); duplicating any 2 consecutive bases within chr17:16,939,577-16,939,586 gives the same sequence; the c. name uses the placement nearest the transcript's 3' end. VCF-style (leftmost placement, unchanged base first): chr17-16939576-G-GCA. GRCh37 (hg19) VCF-style: chr17-16842890-G-GCA.
Other names: short protein forms P285fs.
Identifiers: ClinVar variation 4767668 (VCV004767668.1).

ClinVar aggregate classification (germline): Uncertain significance (1 of 4 stars; one submission).

Conditions:
Immunodeficiency, common variable, 2 (CVID2). Also called: ANTIBODY DEFICIENCY DUE TO TACI DEFECT; HYPOGAMMAGLOBULINEMIA DUE TO TACI DEFICIENCY. Identifiers: Orphanet 1572, MedGen C3150354, MONDO:0009413, OMIM 240500.

Submission:

Labcorp Genetics (formerly Invitae), Labcorp
Classification: Uncertain significance for Immunodeficiency, common variable, 2. Last evaluated: 2025-03-13. Review status: criteria provided, single submitter. Criteria: Invitae Variant Classification Sherloc (09022015). Collection method: clinical testing. Allele origin: germline.
Comment: This sequence change results in a frameshift in the TNFRSF13B gene (p.Pro285Cysfs*40). While this is not anticipated to result in nonsense mediated decay, it is expected to disrupt the last 9 amino acid(s) of the TNFRSF13B protein and extend the protein by 30 additional amino acid residues. This variant is not present in population databases (gnomAD no frequency). This variant has not been reported in the literature in individuals affected with TNFRSF13B-related conditions. Experimental studies and prediction algorithms are not available or were not evaluated, and the functional significance of this variant is currently unknown. In summary, the available evidence is currently insufficient to determine the role of this variant in disease. Therefore, it has been classified as a Variant of Uncertain Significance.